The following is an entry in ClinVar:

ClinVar aggregate classification (germline): Uncertain significance. Review status: criteria provided, multiple submitters, no conflicts (2 of 4 stars). 2 submissions from 2 submitters: Uncertain significance (2). Last evaluated 2024-10-16.

Conditions:
Hereditary cancer-predisposing syndrome. Also called: Tumor predisposition; Neoplastic Syndromes, Hereditary; Hereditary Cancer Syndrome; Hereditary neoplastic syndrome. Identifiers: Orphanet 140162, MedGen C0027672, MeSH D009386, MONDO:0015356.
Ataxia-telangiectasia syndrome (AT). Also called: ATAXIA-TELANGIECTASIA, COMPLEMENTATION GROUP A; ATAXIA-TELANGIECTASIA, FRESNO VARIANT; Ataxia-telangiectasia; Ataxia-telangiectasia, complementation group D; AT, COMPLEMENTATION GROUP C; Ataxia-telangiectasia, complementation group E. Identifiers: Orphanet 100, MedGen C0004135, MONDO:0008840, OMIM 208900.

Submissions (2):

Labcorp Genetics (formerly Invitae), Labcorp
Classification: Uncertain significance for Ataxia-telangiectasia syndrome. Last evaluated: 2024-10-16. Review status: criteria provided, single submitter. Criteria: Invitae Variant Classification Sherloc (09022015). Collection method: clinical testing. Allele origin: germline.
Comment: This sequence change replaces proline, which is neutral and non-polar, with serine, which is neutral and polar, at codon 2271 of the ATM protein (p.Pro2271Ser). This variant is not present in population databases (gnomAD no frequency). This variant has not been reported in the literature in individuals affected with ATM-related conditions. ClinVar contains an entry for this variant (Variation ID: 826638). Invitae Evidence Modeling of protein sequence and biophysical properties (such as structural, functional, and spatial information, amino acid conservation, physicochemical variation, residue mobility, and thermodynamic stability) indicates that this missense variant is not expected to disrupt ATM protein function with a negative predictive value of 95%. In summary, the available evidence is currently insufficient to determine the role of this variant in disease. Therefore, it has been classified as a Variant of Uncertain Significance.

Ambry Genetics
Classification: Uncertain significance for Hereditary cancer-predisposing syndrome. Last evaluated: 2024-02-22. Review status: criteria provided, single submitter. Criteria: Ambry Variant Classification Scheme 2023. Collection method: clinical testing. Allele origin: germline.
Comment: The p.P2271S variant (also known as c.6811C>T), located in coding exon 46 of the ATM gene, results from a C to T substitution at nucleotide position 6811. The proline at codon 2271 is replaced by serine, an amino acid with similar properties. This amino acid position is highly conserved through mammals but not in all available vertebrate species. In addition, the in silico prediction for this alteration is inconclusive. Since supporting evidence is limited at this time, the clinical significance of this alteration remains unclear.

NM_000051.4(ATM):c.6811C>T (p.Pro2271Ser)

Genes: ATM (ATM serine/threonine kinase; plus strand), C11orf65 (chromosome 11 open reading frame 65; minus strand). Cytogenetic location: 11q22.3.
Variant type: single nucleotide variant.
Coding change: c.6811C>T on transcript NM_000051.4 (MANE Select); coding-DNA position 6811, C replaced by T.
Protein change: p.Pro2271Ser; replaces proline 2271 with serine.
Molecular consequence: missense variant. On other transcripts: intron variant (2).
Genome position (GRCh38, 1-based): chr11:108,326,061, C>T. VCF-style: chr11-108326061-C-T. GRCh37 (hg19) VCF-style: chr11-108196788-C-T.
Other names: c.6811C>T, p.Pro2271Ser (NM_001351834.2); c.641-16990G>A (NM_001330368.2); c.*38+9159G>A (NM_001351110.2); short protein forms P2271S.
Identifiers: ClinVar variation 826638 (VCV000826638.14), dbSNP rs1591133084, ClinGen allele CA382556439.
Genomic context (GRCh38, chr11:108,326,061, plus strand): 5'-CATGGTAGTAGTATCAGTAGTAAAAGTATTTATTCCCATATGTCATTTTCATTTCAGCTC[C>T]CTGAAAGGGCAATATTTCAAATTAAACAGTACAATTCAGTTAGCTGTGGAGTCTCTGAGT-3'
Protein context (NP_000042.3, residues 2261-2281): LARTFKNTQL[Pro2271Ser]ERAIFQIKQY